The following is an entry in ClinVar:

ClinVar aggregate classification (germline): Uncertain significance (1 of 4 stars; one submission).

Conditions:
Aortic aneurysm, familial thoracic 7 (AAT7). Also called: AORTIC DISSECTION, FAMILIAL, WITH OR WITHOUT AORTIC ANEURYSM. Identifiers: MedGen C3151077, MONDO:0013418, OMIM 613780.

Allele frequency attached by ClinVar (database versions not stated): TOPMed below 0.00001.
gnomAD v4.1: 3 of 1,613,836 alleles (0.00019%); highest among the groups gnomAD compares: Non-Finnish European, 0.00025%; no homozygotes.

Submission:

Labcorp Genetics (formerly Invitae), Labcorp
Classification: Uncertain significance for Aortic aneurysm, familial thoracic 7. Last evaluated: 2020-01-16. Review status: criteria provided, single submitter. Criteria: Invitae Variant Classification Sherloc (09022015). Collection method: clinical testing. Allele origin: germline.
Comment: In summary, the available evidence is currently insufficient to determine the role of this variant in disease. Therefore, it has been classified as a Variant of Uncertain Significance. Algorithms developed to predict the effect of missense changes on protein structure and function are either unavailable or do not agree on the potential impact of this missense change (SIFT: "Deleterious"; PolyPhen-2: "Benign"; Align-GVGD: "Class C0"). This variant has not been reported in the literature in individuals with MYLK-related conditions. This variant is not present in population databases (ExAC no frequency). This sequence change replaces arginine with serine at codon 1611 of the MYLK protein (p.Arg1611Ser). The arginine residue is moderately conserved and there is a moderate physicochemical difference between arginine and serine.

NM_053025.4(MYLK):c.4833G>T (p.Arg1611Ser)

Gene: MYLK (myosin light chain kinase; minus strand). Cytogenetic location: 3q21.1.
Variant type: single nucleotide variant.
Coding change: c.4833G>T on transcript NM_053025.4 (MANE Select); coding-DNA position 4833, G replaced by T.
Protein change: p.Arg1611Ser; replaces arginine 1611 with serine.
Molecular consequence: missense variant.
Genome position (GRCh38, 1-based): chr3:123,640,291, C>A on the plus strand (G>T on the coding strand, the complement: MYLK is on the minus strand). VCF-style: chr3-123640291-C-A. GRCh37 (hg19) VCF-style: chr3-123359138-C-A.
Other names: c.4305G>T, p.Arg1435Ser (NM_001321309.2); c.4626G>T, p.Arg1542Ser (NM_053026.4, NM_053028.4); c.4833G>T, p.Arg1611Ser (NM_053027.4); short protein forms R1435S, R1542S, R1611S.
Identifiers: ClinVar variation 1051174 (VCV001051174.9), dbSNP rs199792889, ClinGen allele CA354225852.